The following is an entry in ClinVar:

NM_000395.3(CSF2RB):c.1145C>T (p.Thr382Met)

Gene: CSF2RB (colony stimulating factor 2 receptor subunit beta; plus strand). Cytogenetic location: 22q12.3.
Variant type: single nucleotide variant.
Coding change: c.1145C>T on transcript NM_000395.3 (MANE Select); coding-DNA position 1145, C replaced by T.
Protein change: p.Thr382Met; replaces threonine 382 with methionine.
Molecular consequence: missense variant.
Genome position (GRCh38, 1-based): chr22:36,932,897, C>T. VCF-style: chr22-36932897-C-T. GRCh37 (hg19) VCF-style: chr22-37328939-C-T.
Other names: c.1163C>T, p.Thr388Met (NM_001410827.1); short protein forms T382M, T388M.
Identifiers: ClinVar variation 2873072 (VCV002873072.3), dbSNP rs745676465, ClinGen allele CA10213707.

ClinVar aggregate classification (germline): Uncertain significance (1 of 4 stars; one submission).

gnomAD v4.1: 6 of 1,614,028 alleles (0.00037%); highest among the groups gnomAD compares: African/African-American, 0.0013%; no homozygotes.

Submission:

Labcorp Genetics (formerly Invitae), Labcorp
Classification: Uncertain significance. Last evaluated: 2024-08-20. Review status: criteria provided, single submitter. Criteria: Invitae Variant Classification Sherloc (09022015). Collection method: clinical testing. Allele origin: germline.
Comment: This sequence change replaces threonine, which is neutral and polar, with methionine, which is neutral and non-polar, at codon 382 of the CSF2RB protein (p.Thr382Met). This variant is present in population databases (rs745676465, gnomAD 0.0009%). This variant has not been reported in the literature in individuals affected with CSF2RB-related conditions. Invitae Evidence Modeling of protein sequence and biophysical properties (such as structural, functional, and spatial information, amino acid conservation, physicochemical variation, residue mobility, and thermodynamic stability) indicates that this missense variant is not expected to disrupt CSF2RB protein function with a negative predictive value of 80%. In summary, the available evidence is currently insufficient to determine the role of this variant in disease. Therefore, it has been classified as a Variant of Uncertain Significance.